The following is an entry in ClinVar:

NM_017849.4(TMEM127):c.244+2T>C

Gene: TMEM127 (transmembrane protein 127; minus strand). Cytogenetic location: 2q11.2.
Variant type: single nucleotide variant.
Coding change: c.244+2T>C on transcript NM_017849.4 (MANE Select); the canonical splice donor site of the intron after coding-DNA position 244, T replaced by C.
Molecular consequence: splice donor variant. On other transcripts: intron variant (1).
Genome position (GRCh38, 1-based): chr2:96,265,136, A>G on the plus strand (T>C on the coding strand, the complement: TMEM127 is on the minus strand). VCF-style: chr2-96265136-A-G. GRCh37 (hg19) VCF-style: chr2-96930874-A-G.
Other names: c.-9+733T>C (NM_001407283.1); c.244+2T>C (NM_001193304.3).
Identifiers: ClinVar variation 1960083 (VCV001960083.5), dbSNP rs2467284869, ClinGen allele CA347655818.

ClinVar aggregate classification (germline): Likely pathogenic (1 of 4 stars; one submission).

Conditions:
Hereditary pheochromocytoma and paraganglioma. Also called: Hereditary paragangliomas and pheochromocytomas; Hereditary Paraganglioma-Pheochromocytoma Syndromes; Hereditary pheochromocytoma-paraganglioma. Identifiers: Orphanet 29072, MedGen C4274332, MONDO:0017366.

Allele frequency attached by ClinVar (database versions not stated): gnomAD exomes below 0.00001.

Submission:

Labcorp Genetics (formerly Invitae), Labcorp
Classification: Likely pathogenic for Hereditary pheochromocytoma and paraganglioma. Last evaluated: 2024-05-22. Review status: criteria provided, single submitter. Criteria: Invitae Variant Classification Sherloc (09022015). Collection method: clinical testing. Allele origin: germline.
Comment: This sequence change affects a donor splice site in intron 2 of the TMEM127 gene. It is expected to disrupt RNA splicing. Variants that disrupt the donor or acceptor splice site typically lead to a loss of protein function (PMID: 16199547), and loss-of-function variants in TMEM127 are known to be pathogenic (PMID: 20154675, 21156949). This variant is not present in population databases (gnomAD no frequency). This variant has not been reported in the literature in individuals affected with TMEM127-related conditions. ClinVar contains an entry for this variant (Variation ID: 1960083). Algorithms developed to predict the effect of sequence changes on RNA splicing suggest that this variant may disrupt the consensus splice site. In summary, the currently available evidence indicates that the variant is pathogenic, but additional data are needed to prove that conclusively. Therefore, this variant has been classified as Likely Pathogenic.

Literature cited by the submitters: PubMed 16199547; PubMed 20154675; PubMed 21156949.